The following is an entry in ClinVar:

NM_021975.4(RELA):c.1010G>A (p.Ser337Asn)

Gene: RELA (RELA proto-oncogene, NF-kB subunit; minus strand). Cytogenetic location: 11q13.1.
Variant type: single nucleotide variant.
Coding change: c.1010G>A on transcript NM_021975.4 (MANE Select); coding-DNA position 1010, G replaced by A.
Protein change: p.Ser337Asn; replaces serine 337 with asparagine.
Molecular consequence: missense variant.
Genome position (GRCh38, 1-based): chr11:65,655,711, C>T on the plus strand (G>A on the coding strand, the complement: RELA is on the minus strand). VCF-style: chr11-65655711-C-T. GRCh37 (hg19) VCF-style: chr11-65423182-C-T.
Other names: c.1001G>A, p.Ser334Asn (NM_001145138.2); c.1010G>A, p.Ser337Asn (NM_001243984.2, NM_001243985.2); short protein forms S334N, S337N.
Identifiers: ClinVar variation 1491836 (VCV001491836.8), dbSNP rs1219333291, ClinGen allele CA381389211.

ClinVar aggregate classification (germline): Uncertain significance (1 of 4 stars; one submission).

Allele frequency attached by ClinVar (database versions not stated): gnomAD exomes below 0.00001.

Submission:

Labcorp Genetics (formerly Invitae), Labcorp
Classification: Uncertain significance. Last evaluated: 2021-05-17. Review status: criteria provided, single submitter. Criteria: Invitae Variant Classification Sherloc (09022015). Collection method: clinical testing. Allele origin: germline.
Comment: In summary, the available evidence is currently insufficient to determine the role of this variant in disease. Therefore, it has been classified as a Variant of Uncertain Significance. Algorithms developed to predict the effect of missense changes on protein structure and function output the following: SIFT: "Tolerated"; PolyPhen-2: "Benign"; Align-GVGD: "Class C0". The asparagine amino acid residue is found in multiple mammalian species, suggesting that this missense change does not adversely affect protein function. These predictions have not been confirmed by published functional studies and their clinical significance is uncertain. This variant has not been reported in the literature in individuals with RELA-related conditions. This variant is not present in population databases (ExAC no frequency). This sequence change replaces serine with asparagine at codon 337 of the RELA protein (p.Ser337Asn). The serine residue is weakly conserved and there is a small physicochemical difference between serine and asparagine.